The following is an entry in ClinVar:

NM_052867.4(NALCN):c.3587A>C (p.Asn1196Thr)

Gene: NALCN (sodium leak channel, non-selective; minus strand). Cytogenetic location: 13q32.3.
Variant type: single nucleotide variant.
Coding change: c.3587A>C on transcript NM_052867.4 (MANE Select); coding-DNA position 3587, A replaced by C.
Protein change: p.Asn1196Thr; replaces asparagine 1196 with threonine.
Molecular consequence: missense variant.
Genome position (GRCh38, 1-based): chr13:101,083,195, T>G on the plus strand (A>C on the coding strand, the complement: NALCN is on the minus strand). VCF-style: chr13-101083195-T-G. GRCh37 (hg19) VCF-style: chr13-101735546-T-G.
Other names: c.3674A>C, p.Asn1225Thr (NM_001350748.2); c.3587A>C, p.Asn1196Thr (NM_001350749.2); c.3500A>C, p.Asn1167Thr (NM_001350750.2, NM_001350751.2); short protein forms N1167T, N1196T, N1225T.
Identifiers: ClinVar variation 1342630 (VCV001342630.7), dbSNP rs781040583, ClinGen allele CA7035351.

ClinVar aggregate classification (germline): Uncertain significance. Review status: criteria provided, multiple submitters, no conflicts (2 of 4 stars). 2 submissions from 2 submitters: Uncertain significance (2). Last evaluated 2025-10-10.

Conditions:
Congenital contractures of the limbs and face, hypotonia, and developmental delay (CLIFAHDD). Identifiers: Orphanet 562528, MedGen C4225398, MONDO:0014556, OMIM 616266.
Hypotonia, infantile, with psychomotor retardation and characteristic facies 1 (INNFD). Identifiers: Orphanet 371364, Orphanet 700336, MedGen C3809454, MONDO:0024567, OMIM 615419.

Allele frequency attached by ClinVar (database versions not stated): ExAC 0.00001; gnomAD 0.00001; TOPMed 0.00001; gnomAD exomes 0.00002 and 0.00001.
gnomAD v4.1: 8 of 1,613,470 alleles (0.0005%); highest among the groups gnomAD compares: Admixed American, 0.0083%; no homozygotes.

Submissions (2):

Labcorp Genetics (formerly Invitae), Labcorp
Classification: Uncertain significance. Last evaluated: 2025-10-10. Review status: criteria provided, single submitter. Criteria: Invitae Variant Classification Sherloc (09022015). Collection method: clinical testing. Allele origin: germline.
Comment: This sequence change replaces asparagine, which is neutral and polar, with threonine, which is neutral and polar, at codon 1196 of the NALCN protein (p.Asn1196Thr). This variant is present in population databases (rs781040583, gnomAD 0.01%). This variant has not been reported in the literature in individuals affected with NALCN-related conditions. ClinVar contains an entry for this variant (Variation ID: 1342630). Invitae Evidence Modeling of protein sequence and biophysical properties (such as structural, functional, and spatial information, amino acid conservation, physicochemical variation, residue mobility, and thermodynamic stability) indicates that this missense variant is not expected to disrupt NALCN protein function with a negative predictive value of 80%. In summary, the available evidence is currently insufficient to determine the role of this variant in disease. Therefore, it has been classified as a Variant of Uncertain Significance.

New York Genome Center
Classification: Uncertain significance for Congenital contractures of the limbs and face, hypotonia, and developmental delay; Hypotonia, infantile, with psychomotor retardation and characteristic facies 1. Last evaluated: 2021-02-26. Review status: criteria provided, single submitter. Criteria: NYGC Assertion Criteria 2020. Collection method: clinical testing. Allele origin: inherited. Observed: 1 heterozygote. Study: CSER-NYCKidSeq.
Comment: The inherited heterozygous c.3587A>C (p.Asn1196Thr) missense variant identified in the NALCN gene has not been reported in affected individual in the literature. The variant has been reported once in the gnomAD(v3) database (1 out of 152,158 heterozygous alleles) suggesting it is not a common benign allele in the populations represented in that database. The variant affects an evolutionarily conserved residue and is predicted deleterious by multiple in silico tools [CADD score = 23.2, REVEL score = 0.591]. Functional studies to evaluate the potential consequences of this variant have not been reported. Based on the available evidence, the inherited heterozygous c.3587A>C (p.Asn1196Thr) missense variant identified in the NALCN gene is reported as a variant of uncertain significance.